The following is an entry in ClinVar:

NM_006363.6(SEC23B):c.1809A>G (p.Ser603=)

Gene: SEC23B (SEC23 homolog B, COPII component; plus strand). Cytogenetic location: 20p11.23.
Variant type: single nucleotide variant.
Coding change: c.1809A>G on transcript NM_006363.6 (MANE Select); coding-DNA position 1809, A replaced by G.
Protein change: p.Ser603=; no amino-acid change (serine 603 retained).
Molecular consequence: synonymous variant.
Genome position (GRCh38, 1-based): chr20:18,548,674, A>G. VCF-style: chr20-18548674-A-G. GRCh37 (hg19) VCF-style: chr20-18529318-A-G.
Other names: p.Ser603=; c.1809A>G, p.Ser603= (NM_001172745.3, NM_032985.6, NM_032986.5); c.1755A>G, p.Ser585= (NM_001172746.3).
Identifiers: ClinVar variation 337798 (VCV000337798.40), dbSNP rs139882548, ClinGen allele CA9778503.

ClinVar aggregate classification (germline): Conflicting classifications of pathogenicity. Review status: criteria provided, conflicting classifications (1 of 4 stars). 5 submissions from 5 submitters: Uncertain significance (1); Likely benign (4). Last evaluated 2026-01-08.

Conditions:
Congenital dyserythropoietic anemia, type II (CDAN2). Also called: DYSERYTHROPOIETIC ANEMIA, HEMPAS TYPE. Identifiers: Orphanet 98873, MedGen C1306589, MONDO:0009134, OMIM 224100.
Cowden syndrome 7 (CWS7). Identifiers: Orphanet 201, MedGen C4225179, MONDO:0014802, OMIM 616858.

Allele frequency attached by ClinVar (database versions not stated): gnomAD 0.00017 and 0.00024; TOPMed 0.00026; gnomAD exomes 0.00033 and 0.00040; ESP Exome Variant Server 0.00038; ExAC 0.00042; 1000 Genomes Project 30x 0.00078; 1000 Genomes Project 0.00100.
gnomAD v4.1: 556 of 1,614,094 alleles (0.034%); highest among the groups gnomAD compares: Middle Eastern, 0.69%; 1 homozygote.

Submissions (5):

Labcorp Genetics (formerly Invitae), Labcorp
Classification: Likely benign for Congenital dyserythropoietic anemia, type II; Cowden syndrome 7. Last evaluated: 2026-01-08. Review status: criteria provided, single submitter. Criteria: Invitae Variant Classification Sherloc (09022015). Collection method: clinical testing. Allele origin: germline.

Mayo Clinic Laboratories, Mayo Clinic
Classification: Likely benign. Last evaluated: 2025-10-28. Review status: criteria provided, single submitter. Criteria: ACMG Guidelines, 2015. Collection method: clinical testing. Allele origin: germline. Observed: 4 variant alleles.

CeGaT Center for Human Genetics Tuebingen
Classification: Likely benign. Last evaluated: 2025-10-01. Review status: criteria provided, single submitter. Criteria: CeGaT Center For Human Genetics Tuebingen Variant Classification Criteria Version 2. Collection method: clinical testing. Allele origin: germline. Affected: yes. Observed: 9 variant alleles.
Comment: SEC23B: BP4, BP7

Blueprint Genetics
Classification: Likely benign. Last evaluated: 2024-11-20. Review status: criteria provided, single submitter. Criteria: ACMG Guidelines, 2015. Collection method: clinical testing. Allele origin: germline.

Illumina Laboratory Services, Illumina
Classification: Uncertain significance for Congenital dyserythropoietic anemia, type II. Last evaluated: 2018-01-12. Review status: criteria provided, single submitter. Criteria: ICSL Variant Classification Criteria 13 December 2019. Collection method: clinical testing. Allele origin: germline.